The following is an entry in ClinVar:

NM_016327.3(UPB1):c.859A>T (p.Asn287Tyr)

Gene: UPB1 (beta-ureidopropionase 1; plus strand). Cytogenetic location: 22q11.23.
Variant type: single nucleotide variant.
Coding change: c.859A>T on transcript NM_016327.3 (MANE Select); coding-DNA position 859, A replaced by T.
Protein change: p.Asn287Tyr; replaces asparagine 287 with tyrosine.
Molecular consequence: missense variant.
Genome position (GRCh38, 1-based): chr22:24,520,454, A>T. VCF-style: chr22-24520454-A-T. GRCh37 (hg19) VCF-style: chr22-24916422-A-T.
Other names: short protein forms N287Y.
Identifiers: ClinVar variation 2016952 (VCV002016952.4), dbSNP rs766514124, ClinGen allele CA410969300.

ClinVar aggregate classification (germline): Uncertain significance (1 of 4 stars; one submission).

Submission:

Labcorp Genetics (formerly Invitae), Labcorp
Classification: Uncertain significance. Last evaluated: 2022-07-14. Review status: criteria provided, single submitter. Criteria: Invitae Variant Classification Sherloc (09022015). Collection method: clinical testing. Allele origin: germline.
Comment: In summary, the available evidence is currently insufficient to determine the role of this variant in disease. Therefore, it has been classified as a Variant of Uncertain Significance. Algorithms developed to predict the effect of missense changes on protein structure and function (SIFT, PolyPhen-2, Align-GVGD) all suggest that this variant is likely to be disruptive. This variant has not been reported in the literature in individuals affected with UPB1-related conditions. This variant is not present in population databases (gnomAD no frequency). This sequence change replaces asparagine, which is neutral and polar, with tyrosine, which is neutral and polar, at codon 287 of the UPB1 protein (p.Asn287Tyr).